The following is an entry in ClinVar:

ClinVar aggregate classification (germline): Likely pathogenic (1 of 4 stars; one submission).

Conditions:
Spastic paraplegia. Identifiers: MedGen C0037772, HP:0001258.

Submission:

Labcorp Genetics (formerly Invitae), Labcorp
Classification: Likely pathogenic for Spastic paraplegia. Last evaluated: 2023-01-16. Review status: criteria provided, single submitter. Criteria: Invitae Variant Classification Sherloc (09022015). Collection method: clinical testing. Allele origin: germline.
Comment: This variant results in the deletion of part of exon 1 (c.216_490+2138delinsGG) of the CYP2U1 gene. It is expected to disrupt RNA splicing. Variants that disrupt the donor or acceptor splice site typically lead to a loss of protein function (PMID: 16199547), and loss-of-function variants in CYP2U1 are known to be pathogenic (PMID: 23176821, 26936192, 27292318). In summary, the currently available evidence indicates that the variant is pathogenic, but additional data are needed to prove that conclusively. Therefore, this variant has been classified as Likely Pathogenic. This variant has not been reported in the literature in individuals affected with CYP2U1-related conditions.

Literature cited by the submitters: PubMed 16199547; PubMed 23176821; PubMed 26936192; PubMed 27292318.

NC_000004.11:g.(?_108853015)_(108855427_?)del

Gene: CYP2U1 (cytochrome P450 family 2 subfamily U member 1; plus strand). Cytogenetic location: 4q25.
Variant type: Deletion.
Identifiers: ClinVar variation 2427620 (VCV002427620.4).